The following is an entry in ClinVar:

NM_002075.4(GNB3):c.430+1G>A

Gene: GNB3 (G protein subunit beta 3; plus strand). Cytogenetic location: 12p13.31.
Variant type: single nucleotide variant.
Coding change: c.430+1G>A on transcript NM_002075.4 (MANE Select); the canonical splice donor site of the intron after coding-DNA position 430, G replaced by A.
Molecular consequence: splice donor variant.
Genome position (GRCh38, 1-based): chr12:6,843,526, G>A. VCF-style: chr12-6843526-G-A. GRCh37 (hg19) VCF-style: chr12-6952690-G-A.
Other names: c.430+1G>A (NM_001297571.2).
Identifiers: ClinVar variation 1011687 (VCV001011687.10), dbSNP rs376301702, ClinGen allele CA6417530.
Genomic context (GRCh38, chr12:6,843,526, plus strand): 5'-ACAACCTCAAATCCCGTGAGGGCAATGTCAAGGTCAGCCGGGAGCTTTCTGCTCACACAG[G>A]TGAGGGAGAGACCCTCTCCTCCCCTCCTGAGGGGTTCAGGGAACCCTGGGCTTCCAGTGG-3'

ClinVar aggregate classification (germline): Conflicting classifications of pathogenicity. Review status: criteria provided, conflicting classifications (1 of 4 stars). 2 submissions from 2 submitters: Likely pathogenic (1); Uncertain significance (1). Last evaluated 2022-04-12.

Conditions:
GNB3-related disorders.

Allele frequency attached by ClinVar (database versions not stated): gnomAD exomes below 0.00001; ExAC 0.00001; gnomAD 0.00001; ESP Exome Variant Server 0.00008.

Submissions (2):

Labcorp Genetics (formerly Invitae), Labcorp
Classification: Uncertain significance. Last evaluated: 2022-04-12. Review status: criteria provided, single submitter. Criteria: Invitae Variant Classification Sherloc (09022015). Collection method: clinical testing. Allele origin: germline.
Comment: ClinVar contains an entry for this variant (Variation ID: 1011687). In summary, the available evidence is currently insufficient to determine the role of this variant in disease. Therefore, it has been classified as a Variant of Uncertain Significance. Algorithms developed to predict the effect of sequence changes on RNA splicing suggest that this variant may disrupt the consensus splice site. This variant has not been reported in the literature in individuals affected with GNB3-related conditions. This variant is present in population databases (rs376301702, gnomAD 0.0009%). This sequence change affects a donor splice site in intron 6 of the GNB3 gene. It is expected to disrupt RNA splicing. Variants that disrupt the donor or acceptor splice site typically lead to a loss of protein function (PMID: 16199547), however the current clinical and genetic evidence is not sufficient to establish whether loss-of-function variants in GNB3 cause disease.

Blueprint Genetics
Classification: Likely pathogenic for GNB3-related disorders. Last evaluated: 2018-09-05. Review status: criteria provided, single submitter. Criteria: ACMG Guidelines, 2015. Collection method: clinical testing. Allele origin: germline. Affected: yes. Observed: 1 variant allele.

Literature cited by the submitters: PubMed 16199547 (cited by Labcorp Genetics (formerly Invitae), Labcorp).